The following is an entry in ClinVar:

ClinVar aggregate classification (germline): Conflicting classifications of pathogenicity. Review status: criteria provided, conflicting classifications (1 of 4 stars). 3 submissions from 3 submitters: Uncertain significance (1); Likely benign (2). Last evaluated 2026-01-26.

Conditions:
Hereditary cancer-predisposing syndrome. Also called: Tumor predisposition; Hereditary neoplastic syndrome; Neoplastic Syndromes, Hereditary; Hereditary Cancer Syndrome. Identifiers: Orphanet 140162, MedGen C0027672, MeSH D009386, MONDO:0015356.
Ataxia-telangiectasia syndrome (AT). Also called: Ataxia-telangiectasia, complementation group D; AT, COMPLEMENTATION GROUP C; ATAXIA-TELANGIECTASIA, COMPLEMENTATION GROUP A; ATAXIA-TELANGIECTASIA, FRESNO VARIANT; Ataxia-telangiectasia; LOUIS-BAR SYNDROME. Identifiers: Orphanet 100, MedGen C0004135, MONDO:0008840, OMIM 208900.

Submissions (3):

Labcorp Genetics (formerly Invitae), Labcorp
Classification: Likely benign for Ataxia-telangiectasia syndrome. Last evaluated: 2026-01-26. Review status: criteria provided, single submitter. Criteria: Invitae Variant Classification Sherloc (09022015). Collection method: clinical testing. Allele origin: germline.

Color Diagnostics, LLC DBA Color Health
Classification: Likely benign for Hereditary cancer-predisposing syndrome. Last evaluated: 2018-05-03. Review status: criteria provided, single submitter. Criteria: ACMG Guidelines, 2015. Collection method: clinical testing. Allele origin: germline.

Ambry Genetics
Classification: Uncertain significance for Hereditary cancer-predisposing syndrome. Last evaluated: 2015-06-30. Review status: criteria provided, single submitter. Criteria: Ambry Variant Classification Scheme 2023. Collection method: clinical testing. Allele origin: germline.
Comment: The c.8268+22_8268+25delAGTT alteration is located in Intron 56 (E) of the ATM gene. This alteration consists of a deletion of 4 nucleotides at nucleotide position c.826822 Intron 56 (E). Based on insufficient or conflicting evidence, the clinical significance of this alteration remains unclear.

NM_000051.4(ATM):c.8268+22_8268+25del

Genes: ATM (ATM serine/threonine kinase; plus strand), C11orf65 (chromosome 11 open reading frame 65; minus strand). Cytogenetic location: 11q22.3.
Variant type: Deletion.
Coding change: c.8268+22_8268+25del on transcript NM_000051.4 (MANE Select); bases 22 to 25 of the intron after coding-DNA position 8268, 4 bases deleted (AGTT; older notation c.8268+22_8268+25delAGTT).
Molecular consequence: intron variant.
Genome position (GRCh38, 1-based): chr11:108,335,983-108,335,986, AGTT deleted; deleting any 4 consecutive bases within chr11:108,335,980-108,335,986 gives the same sequence; the c. name uses the placement nearest the transcript's 3' end. VCF-style (leftmost placement, unchanged base first): chr11-108335979-TGTTA-T. GRCh37 (hg19) VCF-style: chr11-108206706-TGTTA-T.
Other names: c.8268+22_8268+25delAGTT (NM_000051.3); c.8268+22_8268+25del (NM_001351834.2); c.641-26912_641-26909del (NM_001330368.2); c.695-691_695-688del (NM_001351110.2).
Identifiers: ClinVar variation 630527 (VCV000630527.13), dbSNP rs746285826, ClinGen allele CA6266328.
Genomic context (GRCh38, chr11:108,335,979, plus strand): 5'-CACGGAAACTAGGAAGAGGAAATTAACTATCTGTACTTATAAGGTAACTATTTGTACTTC[TGTTA>T]GTTCACCAAAAACATATAAAAGATGCCATTTGGTTGGGTGAAGTGGCTCATGCCCATATT-3'